The following is an entry in ClinVar:

NM_000553.6(WRN):c.4180A>T (p.Ile1394Phe)

Gene: WRN (WRN RecQ like helicase; plus strand). Cytogenetic location: 8p12.
Variant type: single nucleotide variant.
Coding change: c.4180A>T on transcript NM_000553.6 (MANE Select); coding-DNA position 4180, A replaced by T.
Protein change: p.Ile1394Phe; replaces isoleucine 1394 with phenylalanine.
Molecular consequence: missense variant.
Genome position (GRCh38, 1-based): chr8:31,167,219, A>T. VCF-style: chr8-31167219-A-T. GRCh37 (hg19) VCF-style: chr8-31024735-A-T.
Other names: short protein forms I1394F.
Identifiers: ClinVar variation 4735458 (VCV004735458.1).
Genomic context (GRCh38, chr8:31,167,219, plus strand): 5'-TGTTTTCCCGGTTCTGAAGAGATCTGTTCAAGTTCTAAGAGAAGCAAGGAAGAAGTAGGC[A>T]TCAATACTGAGGTATTAATTATATATAGAATTTTCATAAAGTGTCAGTTTGTTCAATTTG-3'
Protein context (NP_000544.2, residues 1384-1404): SSKRSKEEVG[Ile1394Phe]NTETSSAERK

ClinVar aggregate classification (germline): Uncertain significance (1 of 4 stars; one submission).

Conditions:
Werner syndrome (WRN). Identifiers: Orphanet 902, MedGen C0043119, MONDO:0010196, OMIM 277700.

Submission:

Labcorp Genetics (formerly Invitae), Labcorp
Classification: Uncertain significance for Werner syndrome. Last evaluated: 2026-01-16. Review status: criteria provided, single submitter. Criteria: Invitae Variant Classification Sherloc (09022015). Collection method: clinical testing. Allele origin: germline.
Comment: This sequence change replaces isoleucine, which is neutral and non-polar, with phenylalanine, which is neutral and non-polar, at codon 1394 of the WRN protein (p.Ile1394Phe). This variant is not present in population databases (gnomAD no frequency). This variant has not been reported in the literature in individuals affected with WRN-related conditions. An algorithm developed to predict the effect of missense changes on protein structure and function (PolyPhen-2) suggests that this variant is likely to be tolerated. In summary, the available evidence is currently insufficient to determine the role of this variant in disease. Therefore, it has been classified as a Variant of Uncertain Significance.